The following is an entry in ClinVar:

NM_003002.4(SDHD):c.44G>A (p.Gly15Glu)

Genes: SDHD (succinate dehydrogenase complex subunit D; plus strand), LOC126861339 (BRD4-independent group 4 enhancer GRCh37_chr11:111957035-111958234; plus strand). Cytogenetic location: 11q23.1.
Variant type: single nucleotide variant.
Coding change: c.44G>A on transcript NM_003002.4 (MANE Select); coding-DNA position 44, G replaced by A.
Protein change: p.Gly15Glu; replaces glycine 15 with glutamic acid.
Molecular consequence: missense variant. On other transcripts: non-coding transcript variant (1).
Genome position (GRCh38, 1-based): chr11:112,086,951, G>A. VCF-style: chr11-112086951-G-A. GRCh37 (hg19) VCF-style: chr11-111957675-G-A.
Other names: c.44G>A, p.Gly15Glu (NM_001276503.2, NM_001276504.2, NM_001276506.2); short protein forms G15E.
Identifiers: ClinVar variation 2929526 (VCV002929526.3), dbSNP rs1865621392, ClinGen allele CA382616741.

ClinVar aggregate classification (germline): Uncertain significance (1 of 4 stars; one submission).

Conditions:
Carney-Stratakis syndrome. Also called: PARAGANGLIOMA AND GASTROINTESTINAL STROMAL TUMOR. Identifiers: Orphanet 97286, MedGen C1847319, MONDO:0011740, OMIM 606864.
Paragangliomas with sensorineural hearing loss. Identifiers: MedGen C1868633.
Pheochromocytoma. Also called: MAX-Related Hereditary Paraganglioma-Pheochromocytoma Syndrome. Identifiers: Orphanet 29072, MedGen C0031511, MONDO:0008233, OMIM 171300, HP:0002666.
Cowden syndrome 3 (CWS3). Identifiers: Orphanet 201, MedGen CN166604, MONDO:0014045.

Submission:

Labcorp Genetics (formerly Invitae), Labcorp
Classification: Uncertain significance for Carney-Stratakis syndrome; Paragangliomas with sensorineural hearing loss; Pheochromocytoma; Cowden syndrome 3. Last evaluated: 2025-06-30. Review status: criteria provided, single submitter. Criteria: Invitae Variant Classification Sherloc (09022015). Collection method: clinical testing. Allele origin: germline.
Comment: This sequence change replaces glycine, which is neutral and non-polar, with glutamic acid, which is acidic and polar, at codon 15 of the SDHD protein (p.Gly15Glu). This variant is not present in population databases (gnomAD no frequency). This variant has not been reported in the literature in individuals affected with SDHD-related conditions. ClinVar contains an entry for this variant (Variation ID: 2929526). Invitae Evidence Modeling of protein sequence and biophysical properties (such as structural, functional, and spatial information, amino acid conservation, physicochemical variation, residue mobility, and thermodynamic stability) indicates that this missense variant is expected to disrupt SDHD protein function with a positive predictive value of 95%. In summary, the available evidence is currently insufficient to determine the role of this variant in disease. Therefore, it has been classified as a Variant of Uncertain Significance.